The following is an entry in ClinVar:

ClinVar aggregate classification (germline): Likely pathogenic (1 of 4 stars; one submission).

Conditions:
Retinitis pigmentosa 25 (RP25). Identifiers: Orphanet 791, MedGen C1864446, MONDO:0011272, OMIM 602772.

Submission:

SingHealth Duke-NUS Institute of Precision Medicine
Classification: Likely pathogenic for Retinitis pigmentosa 25. Last evaluated: 2025-02-05. Review status: criteria provided, single submitter. Criteria: PRISM ACMG Classification Criteria. Collection method: clinical testing. Allele origin: germline. Affected: yes.
Comment: Variant is predicted to cause nonsense-mediated decay in a gene where LOF is a known cause of pathogenicity (PVS1). Variant is not found in gnomAD exomes or genomes (PM2).

NM_001142800.2(EYS):c.2831_2832del (p.Val944fs)

Gene: EYS (eyes shut homolog; minus strand). Cytogenetic location: 6q12.
Variant type: Microsatellite.
Coding change: c.2831_2832del on transcript NM_001142800.2 (MANE Select); coding-DNA positions 2831 to 2832, 2 bases deleted (TG; older notation c.2831_2832delTG).
Protein change: p.Val944fs; shifts the reading frame from valine 944.
Molecular consequence: frameshift variant.
Genome position (GRCh38, 1-based): chr6:64,902,127-64,902,128, CA deleted on the plus strand (TG on the coding strand, the reverse complement: EYS is on the minus strand); deleting any 2 consecutive bases within chr6:64,902,127-64,902,132 gives the same sequence; the c. name uses the placement nearest the transcript's 3' end. VCF-style (leftmost placement, unchanged base first): chr6-64902126-CCA-C. GRCh37 (hg19) VCF-style: chr6-65612019-CCA-C.
Other names: c.2831_2832del, p.Val944fs (NM_001292009.2); short protein forms V944fs.
Identifiers: ClinVar variation 3767372 (VCV003767372.1).